The following is an entry in ClinVar:

NM_001110781.2(SLC35E2B):c.-40384_-148+4347del

Genes: CDK11A (cyclin dependent kinase 11A; minus strand), SLC35E2A (solute carrier family 35 member E2A; minus strand), SLC35E2B (solute carrier family 35 member E2B; minus strand), LOC121677382 (Sharpr-MPRA regulatory region 15043; plus strand), LOC129929145 (ATAC-STARR-seq lymphoblastoid silent region 88; plus strand) and 1 more. Cytogenetic location: 1p36.33.
Variant type: Deletion.
Coding change: c.-40384_-148+4347del on transcript NM_001110781.2; 40384 bases upstream of the start codon through 4347 bases into the intron after 148 bases upstream of the start codon, this stretch deleted.
Identifiers: ClinVar variation 156723 (VCV000156723.2).

ClinVar aggregate classification (germline): not provided (0 of 4 stars; one submission).

Conditions:
Large for gestational age. Identifiers: MedGen C1848395, HP:0001520.

Submission:

Institute of Molecular and Cell Biology, University of Tartu
No classification provided. Condition: Large for gestational age. Review status: no classification provided. Collection method: case-control. Allele origin: unknown. Affected: yes. Study: Kasak2014.
Comment: The study aimed to determine the contribution of copy number variants in the genetic etiology of normal and complicated pregnancies. The samples represented (i) maternal blood DNA drawn from healthy pregnant women during 1st or 2nd trimester and (ii) maternal and paternal blood DNA drawn at term pregnancy cases representing normal and complicated gestations (severe preeclampsia, PE; gestational diabetes, GD; small-for-gestational age newborn, SGA; large-for-gestational age newborn, LGA). We performed CNV calling based on genome-wide genotyping dataset (Illumina HumanOmniExpress-24-v1 BeadChip) by applying three algorithms, QuantiSNP, GADA (Genome Alteration Detection Algorithm) and CNstream in parallel. The acquired CNV calls were merged with HD-CNV (Hotspot Detector for Copy Number Variants) program and only the CNVs predicted by at least two programs, were considered in subsequent analysis.

Literature cited by the submitters: PubMed 25666259.